The following is an entry in ClinVar:

ClinVar aggregate classification (germline): Pathogenic. Review status: criteria provided, multiple submitters, no conflicts (2 of 4 stars). 2 submissions from 2 submitters: Pathogenic (2). Last evaluated 2023-09-21.

Conditions:
Hereditary cancer-predisposing syndrome. Also called: Neoplastic Syndromes, Hereditary; Tumor predisposition; Hereditary Cancer Syndrome; Hereditary neoplastic syndrome. Identifiers: Orphanet 140162, MedGen C0027672, MeSH D009386, MONDO:0015356.

Submissions (2):

Quest Diagnostics Nichols Institute San Juan Capistrano
Classification: Pathogenic. Last evaluated: 2023-09-21. Review status: criteria provided, single submitter. Criteria: Quest Diagnostics criteria. Collection method: clinical testing. Allele origin: unknown.
Comment: This variant disrupts a canonical splice-donor site and interferes with normal FH mRNA splicing. This variant has not been reported in the published literature. It also has not been reported in large, multi-ethnic general populations (Genome Aggregation Database). Based on the available information, this variant is classified as pathogenic.

Ambry Genetics
Classification: Pathogenic for Hereditary cancer-predisposing syndrome. Last evaluated: 2021-12-02. Review status: criteria provided, single submitter. Criteria: Ambry Variant Classification Scheme 2023. Collection method: clinical testing. Allele origin: germline.
Comment: The c.1236+2T>G intronic pathogenic mutation results from a T to G substitution two nucleotides after coding exon 8 in the FH gene. This nucleotide position is highly conserved in available vertebrate species. This alteration has been observed in at least one individual with a personal and/or family history that is consistent with FH-related disease (Ambry internal data).In silico splice site analysis predicts that this alteration will weaken the native splice donor site; however, direct evidence is insufficient at this time (Ambry internal data). Other alterations impacting the same donor site (c.1236+2T>C and c.1236+1G>C) have been detected in individuals with HLRCC (Ambry internal data). This variant is considered to be rare based on population cohorts in the Genome Aggregation Database (gnomAD). Based on the supporting evidence, this alteration is interpreted as a disease-causing mutation.

NM_000143.4(FH):c.1236+2T>G

Gene: FH (fumarate hydratase; minus strand). Cytogenetic location: 1q43.
Variant type: single nucleotide variant.
Coding change: c.1236+2T>G on transcript NM_000143.4 (MANE Select); the canonical splice donor site of the intron after coding-DNA position 1236, T replaced by G.
Molecular consequence: splice donor variant.
Genome position (GRCh38, 1-based): chr1:241,502,441, A>C on the plus strand (T>G on the coding strand, the complement: FH is on the minus strand). VCF-style: chr1-241502441-A-C. GRCh37 (hg19) VCF-style: chr1-241665741-A-C.
Identifiers: ClinVar variation 1756755 (VCV001756755.3), dbSNP rs2527316491, ClinGen allele CA345437198.